The following is an entry in ClinVar:

NM_002439.5(MSH3):c.968G>T (p.Ser323Ile)

Genes: MSH3 (mutS homolog 3; plus strand), LOC126807437 (MED14-independent group 3 enhancer GRCh37_chr5:79968379-79969578; plus strand). Cytogenetic location: 5q14.1.
Variant type: single nucleotide variant.
Coding change: c.968G>T on transcript NM_002439.5 (MANE Select); coding-DNA position 968, G replaced by T.
Protein change: p.Ser323Ile; replaces serine 323 with isoleucine.
Molecular consequence: missense variant.
Genome position (GRCh38, 1-based): chr5:80,672,799, G>T. VCF-style: chr5-80672799-G-T. GRCh37 (hg19) VCF-style: chr5-79968618-G-T.
Other names: short protein forms S323I.
Identifiers: ClinVar variation 1026433 (VCV001026433.12), dbSNP rs1046694553, ClinGen allele CA360267443.

ClinVar aggregate classification (germline): Uncertain significance. Review status: criteria provided, multiple submitters, no conflicts (2 of 4 stars). 2 submissions from 2 submitters: Uncertain significance (2). Last evaluated 2025-12-20.

Conditions:
Hereditary cancer-predisposing syndrome. Also called: Hereditary Cancer Syndrome; Neoplastic Syndromes, Hereditary; Tumor predisposition; Hereditary neoplastic syndrome. Identifiers: Orphanet 140162, MedGen C0027672, MeSH D009386, MONDO:0015356.

Submissions (2):

Ambry Genetics
Classification: Uncertain significance for Hereditary cancer-predisposing syndrome. Last evaluated: 2025-12-20. Review status: criteria provided, single submitter. Criteria: Ambry Variant Classification Scheme 2023. Collection method: clinical testing. Allele origin: germline.
Comment: The p.S323I variant (also known as c.968G>T), located in coding exon 6 of the MSH3 gene, results from a G to T substitution at nucleotide position 968. The serine at codon 323 is replaced by isoleucine, an amino acid with dissimilar properties. This amino acid position is well conserved in available vertebrate species. In addition, the in silico prediction for this alteration is inconclusive. Since supporting evidence is limited at this time, the clinical significance of this alteration remains unclear.

Labcorp Genetics (formerly Invitae), Labcorp
Classification: Uncertain significance. Last evaluated: 2024-06-03. Review status: criteria provided, single submitter. Criteria: Invitae Variant Classification Sherloc (09022015). Collection method: clinical testing. Allele origin: germline.
Comment: This sequence change replaces serine, which is neutral and polar, with isoleucine, which is neutral and non-polar, at codon 323 of the MSH3 protein (p.Ser323Ile). This variant is not present in population databases (gnomAD no frequency). This variant has not been reported in the literature in individuals affected with MSH3-related conditions. ClinVar contains an entry for this variant (Variation ID: 1026433). An algorithm developed to predict the effect of missense changes on protein structure and function (PolyPhen-2) suggests that this variant is likely to be disruptive. In summary, the available evidence is currently insufficient to determine the role of this variant in disease. Therefore, it has been classified as a Variant of Uncertain Significance.